The following is an entry in ClinVar:

ClinVar aggregate classification (germline): Likely pathogenic (1 of 4 stars; one submission).

Conditions:
Retinitis pigmentosa 3. Also called: CHOROIDORETINAL DEGENERATION WITH RETINAL REFLEX IN HETEROZYGOUS WOMEN. Identifiers: Orphanet 791, MedGen C1845667, MONDO:0010227, OMIM 300029.

Submission:

3billion
Classification: Likely pathogenic for Retinitis pigmentosa 3. Last evaluated: 2024-01-30. Review status: criteria provided, single submitter. Criteria: ACMG Guidelines, 2015. Collection method: clinical testing. Allele origin: germline. Affected: yes.
Comment: The variant is not observed in the gnomAD v2.1.1 dataset. Predicted Consequence/Location: Frameshift: predicted to result in a loss or disruption of normal protein function through protein truncation. The predicted truncated protein may be shortened by more than 10%. Therefore, this variant is classified as Likely pathogenic according to the recommendation of ACMG/AMP guideline.

NM_001034853.2(RPGR):c.3092_3093dup (p.Gly1032fs)

Gene: RPGR (retinitis pigmentosa GTPase regulator; minus strand). Cytogenetic location: Xp11.4.
Variant type: Microsatellite.
Coding change: c.3092_3093dup on transcript NM_001034853.2 (MANE Select); coding-DNA positions 3092 to 3093, 2 bases duplicated (AG; older notation c.3092_3093dupAG).
Protein change: p.Gly1032fs; shifts the reading frame from glycine 1032.
Molecular consequence: frameshift variant. On other transcripts: intron variant (8).
Genome position (GRCh38, 1-based): chrX:38,285,906-38,285,907, CT duplicated on the plus strand (AG on the coding strand, the reverse complement: RPGR is on the minus strand); duplicating any 2 consecutive bases within chrX:38,285,906-38,285,910 gives the same sequence; the c. name uses the placement nearest the transcript's 3' end. VCF-style (leftmost placement, unchanged base first): chrX-38285905-C-CCT. GRCh37 (hg19) VCF-style: chrX-38145158-C-CCT.
Other names: c.1569+5050AG[3] (NM_001367249.1, NM_001367250.1); c.1902+1185AG[3] (NM_001367245.1); c.1386+5050AG[3] (NM_001367251.1); c.1719+1185AG[3] (NM_001367246.1); c.1572+5050AG[3] (NM_001367247.1); c.1905+1185AG[3] (NM_000328.3); c.1602+5050AG[3] (NM_001367248.1); short protein forms G1032fs.
Identifiers: ClinVar variation 3776081 (VCV003776081.1).